The following is an entry in ClinVar:

NM_001184.4(ATR):c.4165G>A (p.Asp1389Asn)

Gene: ATR (ATR checkpoint kinase; minus strand). Cytogenetic location: 3q23.
Variant type: single nucleotide variant.
Coding change: c.4165G>A on transcript NM_001184.4 (MANE Select); coding-DNA position 4165, G replaced by A.
Protein change: p.Asp1389Asn; replaces aspartic acid 1389 with asparagine.
Molecular consequence: missense variant.
Genome position (GRCh38, 1-based): chr3:142,522,829, C>T on the plus strand (G>A on the coding strand, the complement: ATR is on the minus strand). VCF-style: chr3-142522829-C-T. GRCh37 (hg19) VCF-style: chr3-142241671-C-T.
Other names: c.3973G>A, p.Asp1325Asn (NM_001354579.2); short protein forms D1325N, D1389N.
Identifiers: ClinVar variation 4716388 (VCV004716388.1).

ClinVar aggregate classification (germline): Uncertain significance (1 of 4 stars; one submission).

Submission:

Labcorp Genetics (formerly Invitae), Labcorp
Classification: Uncertain significance. Last evaluated: 2025-03-31. Review status: criteria provided, single submitter. Criteria: Invitae Variant Classification Sherloc (09022015). Collection method: clinical testing. Allele origin: germline.
Comment: This sequence change replaces aspartic acid, which is acidic and polar, with asparagine, which is neutral and polar, at codon 1389 of the ATR protein (p.Asp1389Asn). This variant is not present in population databases (gnomAD no frequency). This variant has not been reported in the literature in individuals affected with ATR-related conditions. An algorithm developed to predict the effect of missense changes on protein structure and function (PolyPhen-2) suggests that this variant is likely to be disruptive. In summary, the available evidence is currently insufficient to determine the role of this variant in disease. Therefore, it has been classified as a Variant of Uncertain Significance.